The following is an entry in ClinVar:

ClinVar aggregate classification (germline): Uncertain significance (1 of 4 stars; one submission).

Submission:

GeneDx
Classification: Uncertain significance. Last evaluated: 2023-11-27. Review status: criteria provided, single submitter. Criteria: GeneDx Variant Classification Process June 2021. Collection method: clinical testing. Allele origin: germline. Affected: yes.
Comment: Not observed at significant frequency in large population cohorts (gnomAD); In silico analysis supports that this missense variant does not alter protein structure/function; Has not been previously published as pathogenic or benign to our knowledge

NM_001162501.2(TNRC6B):c.2114A>T (p.Asn705Ile)

Gene: TNRC6B (trinucleotide repeat containing adaptor 6B; plus strand). Cytogenetic location: 22q13.1.
Variant type: single nucleotide variant.
Coding change: c.2114A>T on transcript NM_001162501.2 (MANE Select); coding-DNA position 2114, A replaced by T.
Protein change: p.Asn705Ile; replaces asparagine 705 with isoleucine.
Molecular consequence: missense variant. On other transcripts: intron variant (1).
Genome position (GRCh38, 1-based): chr22:40,266,344, A>T. VCF-style: chr22-40266344-A-T. GRCh37 (hg19) VCF-style: chr22-40662348-A-T.
Other names: c.2114A>T, p.Asn705Ile (NM_015088.3); c.566-3778A>T (NM_001024843.2); short protein forms N705I.
Identifiers: ClinVar variation 3365001 (VCV003365001.1).
Genomic context (GRCh38, chr22:40,266,344, plus strand): 5'-CCTCTACAGAGTGGAAAGACCCCAAGAACACAGGAGGCTGGAATGACTACAAGAACAACA[A>T]CTCTTCCAACTGGGGAGGAGGACGACCTGATGAAAAGACACCTTCCTCTTGGAATGAGAA-3'
Protein context (NP_001155973.1, residues 695-715): TGGWNDYKNN[Asn705Ile]SSNWGGGRPD